The following is an entry in ClinVar:

NM_007294.4(BRCA1):c.290C>T (p.Thr97Ile)

Gene: BRCA1 (BRCA1 DNA repair associated; minus strand). Cytogenetic location: 17q21.31.
Variant type: single nucleotide variant.
Coding change: c.290C>T on transcript NM_007294.4 (MANE Select); coding-DNA position 290, C replaced by T.
Protein change: p.Thr97Ile; replaces threonine 97 with isoleucine.
Molecular consequence: missense variant. On other transcripts: non-coding transcript variant (1).
Genome position (GRCh38, 1-based): chr17:43,104,879, G>A on the plus strand (C>T on the coding strand, the complement: BRCA1 is on the minus strand). VCF-style: chr17-43104879-G-A. GRCh37 (hg19) VCF-style: chr17-41256896-G-A.
Other names: c.80C>T, p.Thr27Ile (NM_001407915.1, NM_001407916.1, NM_001407917.1 and 58 more transcripts); c.290C>T, p.Thr97Ile (NM_001407919.1, NM_001407937.1, NM_001407938.1 and 168 more transcripts); c.149C>T, p.Thr50Ile (NM_001407920.1, NM_001407921.1, NM_001407922.1 and 99 more transcripts); c.-92C>T (NM_001407959.1, NM_001407960.1, NM_001407962.1 and 4 more transcripts); c.212C>T, p.Thr71Ile (NM_001408409.1, NM_001408411.1, NM_001408412.1 and 21 more transcripts); c.158C>T, p.Thr53Ile (NM_001408451.1); short protein forms T97I, T50I, T27I, T53I, T71I.
Identifiers: ClinVar variation 133721 (VCV000133721.12), dbSNP rs431825393, ClinGen allele CA001894.
Genomic context (GRCh38, chr17:43,104,879, plus strand): 5'-TTTTCATGGACAGCACTTGAGTGTCATTCTTGGGATATTCAACACTTACACTCCAAACCT[G>A]TGTCAAGCTGAAAAGCACAAATGATTTTCAATAGCTCTTCAACAAGTTGACTAAATCTCG-3'
Protein context (NP_009225.1, residues 87-107): LKIICAFQLD[Thr97Ile]GLEYANSYNF

ClinVar aggregate classification (germline): Uncertain significance. Review status: criteria provided, multiple submitters, no conflicts (2 of 4 stars). 4 submissions from 4 submitters: Uncertain significance (3). 1 of the submissions does not count toward it. Last evaluated 2024-01-19.

Conditions:
Hereditary cancer-predisposing syndrome. Also called: Tumor predisposition; Hereditary neoplastic syndrome; Hereditary Cancer Syndrome; Neoplastic Syndromes, Hereditary. Identifiers: Orphanet 140162, MedGen C0027672, MeSH D009386, MONDO:0015356.
Hereditary breast ovarian cancer syndrome. Also called: Hereditary breast and/or ovarian cancer syndrome; Breast and ovarian cancer; Hereditary breast and ovarian cancer syndrome; Hereditary breast and ovarian cancer; Hereditary breast and ovarian cancer syndrome (HBOC); BRCA1- and BRCA2-Associated Hereditary Breast and Ovarian Cancer. Identifiers: Orphanet 145, MedGen C0677776, MeSH D061325, MONDO:0003582. Disease mechanism: loss of function.

Submissions (5):

Ambry Genetics
Classification: Uncertain significance for Hereditary cancer-predisposing syndrome. Last evaluated: 2024-01-19. Review status: criteria provided, single submitter. Criteria: Ambry Variant Classification Scheme 2023. Collection method: clinical testing. Allele origin: germline.
Comment: The p.T97I variant (also known as c.290C>T), located in coding exon 4 of the BRCA1 gene, results from a C to T substitution at nucleotide position 290. The threonine at codon 97 is replaced by isoleucine, an amino acid with similar properties. This amino acid position is highly conserved in available vertebrate species. One functional study found that this nucleotide substitution has intermediate function in a high throughput genome editing haploid cell survival assay (Findlay GM et al. Nature, 2018 Oct;562:217-222). In addition, this alteration is predicted to be deleterious by in silico analysis. Based on the available evidence, the clinical significance of this alteration remains unclear.

Labcorp Genetics (formerly Invitae), Labcorp
Classification: Uncertain significance for Hereditary breast ovarian cancer syndrome. Last evaluated: 2023-07-06. Review status: criteria provided, single submitter. Criteria: Invitae Variant Classification Sherloc (09022015). Collection method: clinical testing. Allele origin: germline.
Comment: This sequence change replaces threonine, which is neutral and polar, with isoleucine, which is neutral and non-polar, at codon 97 of the BRCA1 protein (p.Thr97Ile). This variant is not present in population databases (gnomAD no frequency). This variant has not been reported in the literature in individuals affected with BRCA1-related conditions. ClinVar contains an entry for this variant (Variation ID: 133721). Advanced modeling performed at Invitae incorporating data from internal and/or published experimental studies (PMID: 30209399) did not meet the statistical confidence thresholds required to predict the impact of this variant on BRCA1 function. Experimental studies are conflicting or provide insufficient evidence to determine the effect of this variant on BRCA1 function (PMID: 30209399, 32546644). Algorithms developed to predict the effect of sequence changes on RNA splicing suggest that this variant may disrupt the consensus splice site. In summary, the available evidence is currently insufficient to determine the role of this variant in disease. Therefore, it has been classified as a Variant of Uncertain Significance.

Women's Health and Genetics/Laboratory Corporation of America, LabCorp
Classification: Uncertain significance. Last evaluated: 2016-05-03. Review status: criteria provided, single submitter. Criteria: LabCorp Variant Classification Summary - May 2015. Collection method: clinical testing. Allele origin: germline.
Comment: Variant summary: The BRCA1 c.290C>T variant affects a conserved nucleotide, resulting in an amino acid change from Thr to Ile. 4/5 in-silico tools predict this variant to be damaging. This variant was not found in 121310 control chromosomes. The variant of interest has not, to our knowledge, been reported in affected individuals via publications and/or reputable databases/clinical laboratories; nor evaluated for functional impact by in vivo/vitro studies. Because of the absence of clinical information and the lack of functional studies, the variant was classified as a variant of uncertain significance (VUS) until additional information becomes available.

ITMI
No classification provided. Condition: AllHighlyPenetrant. Last evaluated: 2013-09-19. Review status: no classification provided. Collection method: reference population. Allele origin: germline. Not counted in ClinVar's aggregate classification.
Comment: Please see associated publication for description of ethnicities

Brotman Baty Institute, University of Washington
No classification provided (evidence only). Condition: Breast-ovarian cancer, familial 1. Review status: no classification provided. Collection method: in vitro. Allele origin: not applicable. Functional consequence: function_uncertain_variant. Not counted in ClinVar's aggregate classification.
ClinVar note: "not provided" was previously submitted as the classification for the variant. However, the classification appeared to be based only on an observation of functional data so it was converted to no classification on 2025-07-30.

Literature cited by the submitters: PubMed 30209399 (cited by Ambry Genetics and Labcorp Genetics (formerly Invitae), Labcorp); PubMed 32546644 (cited by Labcorp Genetics (formerly Invitae), Labcorp); PubMed 24728327 (cited by Women's Health and Genetics/Laboratory Corporation of America, LabCorp and ITMI).